The following is an entry in ClinVar:

ClinVar aggregate classification (germline): Uncertain significance (1 of 4 stars; one submission).

Conditions:
Hereditary cancer-predisposing syndrome. Also called: Neoplastic Syndromes, Hereditary; Tumor predisposition; Hereditary Cancer Syndrome; Hereditary neoplastic syndrome. Identifiers: Orphanet 140162, MedGen C0027672, MeSH D009386, MONDO:0015356.
Cardiovascular phenotype. Identifiers: MedGen CN230736.

Submission:

Ambry Genetics
Classification: Uncertain significance for Cardiovascular phenotype; Hereditary cancer-predisposing syndrome. Last evaluated: 2022-02-07. Review status: criteria provided, single submitter. Criteria: Ambry Variant Classification Scheme 2023. Collection method: clinical testing. Allele origin: germline.
Comment: The p.V356F variant (also known as c.1066G>T), located in coding exon 10 of the LZTR1 gene, results from a G to T substitution at nucleotide position 1066. The valine at codon 356 is replaced by phenylalanine, an amino acid with highly similar properties. This amino acid position is conserved. In addition, this alteration is predicted to be tolerated by in silico analysis. Since supporting evidence is limited at this time, the clinical significance of this alteration remains unclear.

NM_006767.4(LZTR1):c.1066G>T (p.Val356Phe)

Gene: LZTR1 (leucine zipper like post translational regulator 1; plus strand). Cytogenetic location: 22q11.21.
Variant type: single nucleotide variant.
Coding change: c.1066G>T on transcript NM_006767.4 (MANE Select); coding-DNA position 1066, G replaced by T.
Protein change: p.Val356Phe; replaces valine 356 with phenylalanine.
Molecular consequence: missense variant.
Genome position (GRCh38, 1-based): chr22:20,992,286, G>T. VCF-style: chr22-20992286-G-T. GRCh37 (hg19) VCF-style: chr22-21346575-G-T.
Other names: short protein forms V356F.
Identifiers: ClinVar variation 1782021 (VCV001782021.2), dbSNP rs917455578, ClinGen allele CA410781944.